The following is an entry in ClinVar:

ClinVar aggregate classification (germline): Uncertain significance. Review status: criteria provided, multiple submitters, no conflicts (2 of 4 stars). 2 submissions from 2 submitters: Uncertain significance (2). Last evaluated 2025-12-13.

Conditions:
Inborn genetic diseases. Identifiers: MedGen C0950123, MeSH D030342.

Allele frequency attached by ClinVar (database versions not stated): TOPMed below 0.00001; gnomAD exomes 0.00001; ExAC 0.00002.
gnomAD v4.1: 4 of 1,612,508 alleles (0.00025%); highest among the groups gnomAD compares: Admixed American, 0.005%; no homozygotes.

Submissions (2):

Labcorp Genetics (formerly Invitae), Labcorp
Classification: Uncertain significance. Last evaluated: 2025-12-13. Review status: criteria provided, single submitter. Criteria: Invitae Variant Classification Sherloc (09022015). Collection method: clinical testing. Allele origin: germline.
Comment: This sequence change replaces isoleucine, which is neutral and non-polar, with leucine, which is neutral and non-polar, at codon 733 of the CDH2 protein (p.Ile733Leu). This variant is present in population databases (rs752394774, gnomAD 0.009%). This variant has not been reported in the literature in individuals affected with CDH2-related conditions. ClinVar contains an entry for this variant (Variation ID: 1363698). An algorithm developed to predict the effect of missense changes on protein structure and function (PolyPhen-2) suggests that this variant is likely to be tolerated. In summary, the available evidence is currently insufficient to determine the role of this variant in disease. Therefore, it has been classified as a Variant of Uncertain Significance.

Ambry Genetics
Classification: Uncertain significance for Inborn genetic diseases. Last evaluated: 2025-12-10. Review status: criteria provided, single submitter. Criteria: Ambry Variant Classification Scheme 2023. Collection method: clinical testing. Allele origin: germline.
Comment: The p.I733L variant (also known as c.2197A>C), located in coding exon 13 of the CDH2 gene, results from an A to C substitution at nucleotide position 2197. The isoleucine at codon 733 is replaced by leucine, an amino acid with highly similar properties. This amino acid position is conserved. In addition, this alteration is predicted to be tolerated by in silico analysis. Based on the available evidence, the clinical significance of this variant remains unclear.

NM_001792.5(CDH2):c.2197A>C (p.Ile733Leu)

Gene: CDH2 (cadherin 2; minus strand). Cytogenetic location: 18q12.1.
Variant type: single nucleotide variant.
Coding change: c.2197A>C on transcript NM_001792.5 (MANE Select); coding-DNA position 2197, A replaced by C.
Protein change: p.Ile733Leu; replaces isoleucine 733 with leucine.
Molecular consequence: missense variant.
Genome position (GRCh38, 1-based): chr18:27,985,012, T>G on the plus strand (A>C on the coding strand, the complement: CDH2 is on the minus strand). VCF-style: chr18-27985012-T-G. GRCh37 (hg19) VCF-style: chr18-25564976-T-G.
Other names: c.2197A>C (NM_001792.3); c.2104A>C, p.Ile702Leu (NM_001308176.2); short protein forms I702L, I733L.
Identifiers: ClinVar variation 1363698 (VCV001363698.7), dbSNP rs752394774, ClinGen allele CA8923219.
Genomic context (GRCh38, chr18:27,985,012, plus strand): 5'-CCTAGAAGCCAAGAGAACTGAAATCTAAAAGACAATAAAAGTACTCACTAAGCAGGATGA[T>G]GATGCAGAGCAGGATGGCAATGATGGCACCGGTGCCAAGCCCCGCACCCACAATCCTGTC-3'
Protein context (NP_001783.2, residues 723-743): GAIIAILLCI[Ile733Leu]ILLILVLMFV